The following is an entry in ClinVar:

ClinVar aggregate classification (germline): Uncertain significance (1 of 4 stars; one submission).

gnomAD v4.1: 1 of 1,613,938 alleles (0.000062%); highest among the groups gnomAD compares: Admixed American, 0.0017%; no homozygotes.

Submission:

Dasa
Classification: Uncertain significance. Last evaluated: 2025-11-28. Review status: criteria provided, single submitter. Criteria: DASA Assertion Criteria. Collection method: clinical testing. Allele origin: germline.
Comment: NM_005271.5(GLUD1):c.1003G>A (p.Gly335Arg) is a missense variant that results in the substitution of glycine with arginine. This variant is rare in population databases. Computational prediction algorithms are consistent with a deleterious effect. The currently available literature and clinical evidence are not sufficient to establish a definitive association between this variant and the reported condition. Therefore, this variant is classified as a variant of uncertain significance.

NM_005271.5(GLUD1):c.1003G>A (p.Gly335Arg)

Gene: GLUD1 (glutamate dehydrogenase 1; minus strand). Cytogenetic location: 10q23.2.
Variant type: single nucleotide variant.
Coding change: c.1003G>A on transcript NM_005271.5 (MANE Select); coding-DNA position 1003, G replaced by A.
Protein change: p.Gly335Arg; replaces glycine 335 with arginine.
Molecular consequence: missense variant.
Genome position (GRCh38, 1-based): chr10:87,060,971, C>T on the plus strand (G>A on the coding strand, the complement: GLUD1 is on the minus strand). VCF-style: chr10-87060971-C-T. GRCh37 (hg19) VCF-style: chr10-88820728-C-T.
Other names: c.604G>A, p.Gly202Arg (NM_001318900.1); c.502G>A, p.Gly168Arg (NM_001318901.1, NM_001318902.1, NM_001318904.2 and 2 more transcripts); short protein forms G168R, G202R, G335R.
Identifiers: ClinVar variation 4882566 (VCV004882566.2).
Genomic context (GRCh38, chr10:87,060,971, plus strand): 5'-ATACCAATTTGAAGTCTTCCAGTTCCTTTGGGTCAATACCATCTGGATTCCATATACTCC[C>T]ATCAGACTCACCAACAGCAATACATTTAGCACCAAAACGATGTAAATATCTCATAGAGTG-3'
Protein context (NP_005262.1, residues 325-345): AKCIAVGESD[Gly335Arg]SIWNPDGIDP